The following is an entry in ClinVar:

NM_006393.3(NEBL):c.1457A>G (p.Tyr486Cys)

Gene: NEBL (nebulette; minus strand). Cytogenetic location: 10p12.31.
Variant type: single nucleotide variant.
Coding change: c.1457A>G on transcript NM_006393.3 (MANE Select); coding-DNA position 1457, A replaced by G.
Protein change: p.Tyr486Cys; replaces tyrosine 486 with cysteine.
Molecular consequence: missense variant. On other transcripts: intron variant (9).
Genome position (GRCh38, 1-based): chr10:20,831,576, T>C on the plus strand (A>G on the coding strand, the complement: NEBL is on the minus strand). VCF-style: chr10-20831576-T-C. GRCh37 (hg19) VCF-style: chr10-21120505-T-C.
Other names: c.250-18636A>G (NM_001377326.1, NM_001377327.1, NM_001377328.1); c.358-18636A>G (NM_213569.2, NM_001173484.2, NM_001377322.1); c.301-18636A>G (NM_001377324.1); c.292-18636A>G (NM_001377325.1); c.310-18636A>G (NM_001377323.1); short protein forms Y486C.
Identifiers: ClinVar variation 2196181 (VCV002196181.6), dbSNP rs200177229, ClinGen allele CA5432852.
Genomic context (GRCh38, chr10:20,831,576, plus strand): 5'-AGAGTGTCTGTGCTCACCTGCATCCCTTTCCCTTTAATTTCAGTCTCCAGATCTCTTTTA[T>C]AGTCTTTCTGCAGAAAATGAAACATACAGTTAGTGCTCTCCAATCATTTGAGAAACTGCT-3'
Protein context (NP_006384.1, residues 476-496): KAAEIASEKD[Tyr486Cys]KRDLETEIKG

ClinVar aggregate classification (germline): Uncertain significance. Review status: criteria provided, multiple submitters, no conflicts (2 of 4 stars). 2 submissions from 2 submitters: Uncertain significance (2). Last evaluated 2025-05-01.

Conditions:
Primary dilated cardiomyopathy (DCM). Also called: Dilated Cardiomyopathy. Identifiers: Orphanet 217604, MedGen C0007193, MeSH D002311, MONDO:0005021, HP:0001644. Inheritance: Various modes of inheritance.

Allele frequency attached by ClinVar (database versions not stated): gnomAD exomes below 0.00001; ExAC 0.00001; gnomAD 0.00003; TOPMed 0.00005.
gnomAD v4.1: 8 of 1,599,466 alleles (0.0005%); highest among the groups gnomAD compares: African/African-American, 0.0094%; no homozygotes.

Submissions (2):

Labcorp Genetics (formerly Invitae), Labcorp
Classification: Uncertain significance for Primary dilated cardiomyopathy. Last evaluated: 2025-05-01. Review status: criteria provided, single submitter. Criteria: Invitae Variant Classification Sherloc (09022015). Collection method: clinical testing. Allele origin: germline.
Comment: This sequence change replaces tyrosine, which is neutral and polar, with cysteine, which is neutral and slightly polar, at codon 486 of the NEBL protein (p.Tyr486Cys). This variant is present in population databases (rs200177229, gnomAD 0.01%). This variant has not been reported in the literature in individuals affected with NEBL-related conditions. ClinVar contains an entry for this variant (Variation ID: 2196181). An algorithm developed to predict the effect of missense changes on protein structure and function (PolyPhen-2) suggests that this variant is likely to be disruptive. In summary, the available evidence is currently insufficient to determine the role of this variant in disease. Therefore, it has been classified as a Variant of Uncertain Significance.

Ambry Genetics
Classification: Uncertain significance. Last evaluated: 2023-05-11. Review status: criteria provided, single submitter. Criteria: Ambry Variant Classification Scheme 2023. Collection method: clinical testing. Allele origin: germline.
Comment: The p.Y486C variant (also known as c.1457A>G), located in coding exon 15 of the NEBL gene, results from an A to G substitution at nucleotide position 1457. The tyrosine at codon 486 is replaced by cysteine, an amino acid with highly dissimilar properties. This amino acid position is conserved. In addition, this alteration is predicted to be deleterious by in silico analysis. Since supporting evidence is limited at this time, the clinical significance of this alteration remains unclear.